The following is an entry in ClinVar:

ClinVar aggregate classification (germline): Uncertain significance (1 of 4 stars; one submission).

Allele frequency attached by ClinVar (database versions not stated): TOPMed 0.00001; gnomAD 0.00004.
gnomAD v4.1: 12 of 1,527,262 alleles (0.00079%); highest among the groups gnomAD compares: Admixed American, 0.02%; no homozygotes.

Submission:

Labcorp Genetics (formerly Invitae), Labcorp
Classification: Uncertain significance. Last evaluated: 2024-04-29. Review status: criteria provided, single submitter. Criteria: Invitae Variant Classification Sherloc (09022015). Collection method: clinical testing. Allele origin: germline.
Comment: This sequence change replaces alanine, which is neutral and non-polar, with threonine, which is neutral and polar, at codon 1009 of the TAOK2 protein (p.Ala1009Thr). This variant is present in population databases (no rsID available, gnomAD 0.01%). This variant has not been reported in the literature in individuals affected with TAOK2-related conditions. An algorithm developed to predict the effect of missense changes on protein structure and function (PolyPhen-2) suggests that this variant is likely to be disruptive. In summary, the available evidence is currently insufficient to determine the role of this variant in disease. Therefore, it has been classified as a Variant of Uncertain Significance.

NM_016151.4(TAOK2):c.3025G>A (p.Ala1009Thr)

Gene: TAOK2 (TAO kinase 2; plus strand). Cytogenetic location: 16p11.2.
Variant type: single nucleotide variant.
Coding change: c.3025G>A on transcript NM_016151.4 (MANE Select); coding-DNA position 3025, G replaced by A.
Protein change: p.Ala1009Thr; replaces alanine 1009 with threonine.
Molecular consequence: missense variant. On other transcripts: intron variant (1).
Genome position (GRCh38, 1-based): chr16:29,987,297, G>A. VCF-style: chr16-29987297-G-A. GRCh37 (hg19) VCF-style: chr16-29998618-G-A.
Other names: c.2686G>A, p.Ala896Thr (NM_001252043.2); c.2232+793G>A (NM_004783.4); short protein forms A896T, A1009T.
Identifiers: ClinVar variation 2903792 (VCV002903792.3), dbSNP rs1314022526, ClinGen allele CA395497884.